The following is an entry in ClinVar:

ClinVar aggregate classification (germline): Uncertain significance (1 of 4 stars; one submission).

Conditions:
Neuroblastoma, susceptibility to, 3. Also called: ALK-Related Neuroblastic Tumor Susceptibility. Identifiers: Orphanet 635, MedGen C2751681, MONDO:0013083, OMIM 613014.

Submission:

Labcorp Genetics (formerly Invitae), Labcorp
Classification: Uncertain significance for Neuroblastoma, susceptibility to, 3. Last evaluated: 2022-05-04. Review status: criteria provided, single submitter. Criteria: Invitae Variant Classification Sherloc (09022015). Collection method: clinical testing. Allele origin: germline.
Comment: ClinVar contains an entry for this variant (Variation ID: 470899). This variant has not been reported in the literature in individuals affected with ALK-related conditions. This variant is not present in population databases (gnomAD no frequency). This sequence change replaces proline, which is neutral and non-polar, with arginine, which is basic and polar, at codon 254 of the ALK protein (p.Pro254Arg). Algorithms developed to predict the effect of missense changes on protein structure and function are either unavailable or do not agree on the potential impact of this missense change (SIFT: "Deleterious"; PolyPhen-2: "Probably Damaging"; Align-GVGD: "Class C0"). In summary, the available evidence is currently insufficient to determine the role of this variant in disease. Therefore, it has been classified as a Variant of Uncertain Significance.

NM_004304.5(ALK):c.761C>G (p.Pro254Arg)

Gene: ALK (ALK receptor tyrosine kinase; minus strand). Cytogenetic location: 2p23.2.
Variant type: single nucleotide variant.
Coding change: c.761C>G on transcript NM_004304.5 (MANE Select); coding-DNA position 761, C replaced by G.
Protein change: p.Pro254Arg; replaces proline 254 with arginine.
Molecular consequence: missense variant.
Genome position (GRCh38, 1-based): chr2:29,717,604, G>C on the plus strand (C>G on the coding strand, the complement: ALK is on the minus strand). VCF-style: chr2-29717604-G-C. GRCh37 (hg19) VCF-style: chr2-29940470-G-C.
Other names: short protein forms P254R.
Identifiers: ClinVar variation 470899 (VCV000470899.10), dbSNP rs1553351744, ClinGen allele CA346587656.